The following is an entry in ClinVar:

ClinVar aggregate classification (germline): Uncertain significance. Review status: criteria provided, multiple submitters, no conflicts (2 of 4 stars). 3 submissions from 3 submitters: Uncertain significance (3). Last evaluated 2024-09-21.

Conditions:
Hereditary cancer-predisposing syndrome. Also called: Hereditary neoplastic syndrome; Neoplastic Syndromes, Hereditary; Hereditary Cancer Syndrome; Tumor predisposition. Identifiers: Orphanet 140162, MedGen C0027672, MeSH D009386, MONDO:0015356.
Retinoblastoma (RB1). Also called: RETINOBLASTOMA, SOMATIC. Identifiers: Orphanet 790, MedGen C0035335, MeSH D012175, MONDO:0008380, OMIM 180200, HP:0009919. Disease mechanism: loss of function. Inheritance: Both sporadic and heritable forms are tested..

gnomAD v4.1: 1 of 1,467,550 alleles (0.000068%); no homozygotes.

Submissions (3):

Ambry Genetics
Classification: Uncertain significance for Hereditary cancer-predisposing syndrome. Last evaluated: 2024-09-21. Review status: criteria provided, single submitter. Criteria: Ambry Variant Classification Scheme 2023. Collection method: clinical testing. Allele origin: germline.
Comment: The p.S37R variant (also known as c.111C>A), located in coding exon 1 of the RB1 gene, results from a C to A substitution at nucleotide position 111. The serine at codon 37 is replaced by arginine, an amino acid with dissimilar properties. This amino acid position is highly conserved in available vertebrate species. In addition, the in silico prediction for this alteration is inconclusive. Based on the available evidence, the clinical significance of this variant remains unclear.

All of Us Research Program, National Institutes of Health
Classification: Uncertain significance for Retinoblastoma. Last evaluated: 2023-03-09. Review status: criteria provided, single submitter. Criteria: ACMG Guidelines, 2015. Collection method: clinical testing. Allele origin: germline. Inheritance: Autosomal dominant inheritance. Observed: 1 variant allele, 1 heterozygote.
Comment: This missense variant replaces serine with arginine at codon 37 of the RB1 protein. Computational prediction suggests that this variant may not impact protein structure and function (internally defined REVEL score threshold <= 0.5, PMID: 27666373). To our knowledge, functional studies have not been reported for this variant. This variant has not been reported in individuals affected with hereditary cancer in the literature. This variant has not been identified in the general population by the Genome Aggregation Database (gnomAD). The available evidence is insufficient to determine the role of this variant in disease conclusively. Therefore, this variant is classified as a Variant of Uncertain Significance.

This study involves interpretation of variants in research participants for the purpose of population health screening. Participant phenotype was not available at the time of variant classification. Additional details can be found in publication PMID: 35346344, PMCID: PMC8962531

Labcorp Genetics (formerly Invitae), Labcorp
Classification: Uncertain significance for Retinoblastoma. Last evaluated: 2022-09-03. Review status: criteria provided, single submitter. Criteria: Invitae Variant Classification Sherloc (09022015). Collection method: clinical testing. Allele origin: germline.
Comment: This sequence change replaces serine, which is neutral and polar, with arginine, which is basic and polar, at codon 37 of the RB1 protein (p.Ser37Arg). Algorithms developed to predict the effect of missense changes on protein structure and function (SIFT, PolyPhen-2, Align-GVGD) all suggest that this variant is likely to be tolerated. In summary, the available evidence is currently insufficient to determine the role of this variant in disease. Therefore, it has been classified as a Variant of Uncertain Significance. This variant has not been reported in the literature in individuals affected with RB1-related conditions. This variant is not present in population databases (gnomAD no frequency).

NM_000321.3(RB1):c.111C>A (p.Ser37Arg)

Gene: RB1 (RB transcriptional corepressor 1; plus strand). Cytogenetic location: 13q14.2.
Variant type: single nucleotide variant.
Coding change: c.111C>A on transcript NM_000321.3 (MANE Select); coding-DNA position 111, C replaced by A.
Protein change: p.Ser37Arg; replaces serine 37 with arginine.
Molecular consequence: missense variant.
Genome position (GRCh38, 1-based): chr13:48,304,023, C>A. VCF-style: chr13-48304023-C-A. GRCh37 (hg19) VCF-style: chr13-48878159-C-A.
Other names: c.111C>A, p.Ser37Arg (NM_001407165.1, NM_001407166.1, NM_001407167.1); short protein forms S37R.
Identifiers: ClinVar variation 1718727 (VCV001718727.7), dbSNP rs1411090163, ClinGen allele CA388250352.